The following is an entry in ClinVar:

ClinVar aggregate classification (germline): Uncertain significance. Review status: criteria provided, multiple submitters, no conflicts (2 of 4 stars). 2 submissions from 2 submitters: Uncertain significance (2). Last evaluated 2024-04-07.

Conditions:
Pulmonary hypertension, primary, 1 (PPH1). Also called: Pulmonary hypertension, familial primary, 1, with or without HHT. Identifiers: Orphanet 422, MedGen C4552070, MONDO:0024533, OMIM 178600.
Pulmonary venoocclusive disease 1 (PVOD1). Also called: Pulmonary venoocclusive disease 1, autosomal dominant. Identifiers: Orphanet 31837, MedGen C3887658, MONDO:0020713, OMIM 265450.
Primary pulmonary hypertension. Also called: Idiopathic pulmonary hypertension. Identifiers: MedGen C0152171.

Allele frequency attached by ClinVar (database versions not stated): gnomAD exomes below 0.00001.
gnomAD v4.1: 2 of 1,614,178 alleles (0.00012%); highest among the groups gnomAD compares: Non-Finnish European, 0.00017%; no homozygotes.

Submissions (2):

Fulgent Genetics
Classification: Uncertain significance for Pulmonary hypertension, primary, 1; Pulmonary venoocclusive disease 1. Last evaluated: 2024-04-07. Review status: criteria provided, single submitter. Criteria: ACMG Guidelines, 2015. Collection method: clinical testing. Allele origin: germline.

Labcorp Genetics (formerly Invitae), Labcorp
Classification: Uncertain significance for Primary pulmonary hypertension. Last evaluated: 2021-09-01. Review status: criteria provided, single submitter. Criteria: Invitae Variant Classification Sherloc (09022015). Collection method: clinical testing. Allele origin: germline.
Comment: This sequence change replaces arginine with cysteine at codon 225 of the BMPR2 protein (p.Arg225Cys). The arginine residue is highly conserved and there is a large physicochemical difference between arginine and cysteine. This variant is not present in population databases (ExAC no frequency). This variant has not been reported in the literature in individuals affected with BMPR2-related conditions. Algorithms developed to predict the effect of missense changes on protein structure and function are either unavailable or do not agree on the potential impact of this missense change (SIFT: "Deleterious"; PolyPhen-2: "Benign"; Align-GVGD: "Class C35"). In summary, the available evidence is currently insufficient to determine the role of this variant in disease. Therefore, it has been classified as a Variant of Uncertain Significance.

NM_001204.7(BMPR2):c.673C>T (p.Arg225Cys)

Gene: BMPR2 (bone morphogenetic protein receptor type 2; plus strand). Cytogenetic location: 2q33.2.
Variant type: single nucleotide variant.
Coding change: c.673C>T on transcript NM_001204.7 (MANE Select); coding-DNA position 673, C replaced by T.
Protein change: p.Arg225Cys; replaces arginine 225 with cysteine.
Molecular consequence: missense variant.
Genome position (GRCh38, 1-based): chr2:202,518,873, C>T. VCF-style: chr2-202518873-C-T. GRCh37 (hg19) VCF-style: chr2-203383596-C-T.
Other names: c.673C>T (LRG_712t1); short protein forms R225C.
Identifiers: ClinVar variation 528332 (VCV000528332.8), dbSNP rs1349280349, ClinGen allele CA350340190.